The following is an entry in ClinVar:

ClinVar aggregate classification (germline): Conflicting classifications of pathogenicity. Review status: criteria provided, conflicting classifications (1 of 4 stars). 2 submissions from 2 submitters: Likely pathogenic (1); Uncertain significance (1). Last evaluated 2020-03-01.

Submissions (2):

CeGaT Center for Human Genetics Tuebingen
Classification: Uncertain significance. Last evaluated: 2020-03-01. Review status: criteria provided, single submitter. Criteria: CeGaT Center For Human Genetics Tuebingen Variant Classification Criteria Version 2. Collection method: clinical testing. Allele origin: germline. Affected: yes. Observed: 2 variant alleles.

GeneDx
Classification: Likely pathogenic. Last evaluated: 2017-01-05. Review status: criteria provided, single submitter. Criteria: GeneDx Variant Classification (06012015). Collection method: clinical testing. Allele origin: germline. Affected: yes.
Comment: The D1219Y variant in the COL2A1 gene has not been reported previously as a pathogenic variant, nor as a benign variant, to our knowledge. The D1219Y variant was not observed in approximately 6500 individuals of European and African American ancestry in the NHLBI Exome Sequencing Project, indicating it is not a common benign variant in these populations. The D1219Y variant is a non-conservative amino acid substitution, which is likely to impact secondary protein structure as these residues differ in polarity, charge, size and/or other properties. This substitution occurs at a position that is conserved across species. A missense variant in the same residue (D1219H) has been reported in association with spondyloepimetaphyseal dysplasia, supporting the functional importance of this residue (Hammarsjo et al., 2016). In silico analysis predicts this variant is probably damaging to the protein structure/function. Therefore, the D1219Y variant is a strong candidate for a pathogenic variant; however the possibility it may be a rare benign variant cannot be completely excluded.

NM_001844.5(COL2A1):c.3655G>T (p.Asp1219Tyr)

Gene: COL2A1 (collagen type II alpha 1 chain; minus strand). Cytogenetic location: 12q13.11.
Variant type: single nucleotide variant.
Coding change: c.3655G>T on transcript NM_001844.5 (MANE Select); coding-DNA position 3655, G replaced by T.
Protein change: p.Asp1219Tyr; replaces aspartic acid 1219 with tyrosine.
Molecular consequence: missense variant.
Genome position (GRCh38, 1-based): chr12:47,975,548, C>A on the plus strand (G>T on the coding strand, the complement: COL2A1 is on the minus strand). VCF-style: chr12-47975548-C-A. GRCh37 (hg19) VCF-style: chr12-48369331-C-A.
Other names: c.3448G>T, p.Asp1150Tyr (NM_033150.3); short protein forms D1219Y, D1150Y.
Identifiers: ClinVar variation 392316 (VCV000392316.44), dbSNP rs760093841, ClinGen allele CA16606542.
Genomic context (GRCh38, chr12:47,975,548, plus strand): 5'-TGTACTGCAGGGGGTCGGGGCCCTTCTCTCTCGGGCCTAAGCCAGCAAAGGCGGACATGT[C>A]GATGCCAGGGCCAGGGGGACCTGGAGGACCAGGGGGTCCAGGATTTCCAGGAGGACCCTG-3'
Protein context (NP_001835.3, residues 1209-1229): GPPGPPGPGI[Asp1219Tyr]MSAFAGLGPR